The following is an entry in ClinVar:

NM_001365999.1(SZT2):c.7799C>A (p.Pro2600His)

Gene: SZT2 (SZT2 subunit of KICSTOR complex; plus strand). Cytogenetic location: 1p34.2.
Variant type: single nucleotide variant.
Coding change: c.7799C>A on transcript NM_001365999.1 (MANE Select); coding-DNA position 7799, C replaced by A.
Protein change: p.Pro2600His; replaces proline 2600 with histidine.
Molecular consequence: missense variant.
Genome position (GRCh38, 1-based): chr1:43,442,056, C>A. VCF-style: chr1-43442056-C-A. GRCh37 (hg19) VCF-style: chr1-43907727-C-A.
Other names: c.7628C>A, p.Pro2543His (NM_015284.4); c.7628C>A (NM_015284.3); short protein forms P2543H, P2600H.
Identifiers: ClinVar variation 2183266 (VCV002183266.2), dbSNP rs543595207, ClinGen allele CA810341.

ClinVar aggregate classification (germline): Uncertain significance. Review status: criteria provided, multiple submitters, no conflicts (2 of 4 stars). 2 submissions from 2 submitters: Uncertain significance (2). Last evaluated 2024-02-15.

Allele frequency attached by ClinVar (database versions not stated): gnomAD 0.00001; TOPMed 0.00001; 1000 Genomes Project 30x 0.00016; 1000 Genomes Project 0.00020.
gnomAD v4.1: 19 of 1,614,146 alleles (0.0012%); highest among the groups gnomAD compares: Middle Eastern, 0.049%; no homozygotes.

Submissions (2):

GeneDx
Classification: Uncertain significance. Last evaluated: 2024-02-15. Review status: criteria provided, single submitter. Criteria: GeneDx Variant Classification Process June 2021. Collection method: clinical testing. Allele origin: germline. Affected: yes.
Comment: Not observed at significant frequency in large population cohorts (gnomAD); In silico analysis supports that this missense variant does not alter protein structure/function; Has not been previously published as pathogenic or benign to our knowledge

Labcorp Genetics (formerly Invitae), Labcorp
Classification: Uncertain significance. Last evaluated: 2022-05-15. Review status: criteria provided, single submitter. Criteria: Invitae Variant Classification Sherloc (09022015). Collection method: clinical testing. Allele origin: germline.
Comment: This sequence change replaces proline, which is neutral and non-polar, with histidine, which is basic and polar, at codon 2543 of the SZT2 protein (p.Pro2543His). This variant is present in population databases (rs543595207, gnomAD 0.007%). This variant has not been reported in the literature in individuals affected with SZT2-related conditions. Algorithms developed to predict the effect of missense changes on protein structure and function are either unavailable or do not agree on the potential impact of this missense change (SIFT: "Deleterious"; PolyPhen-2: "Benign"; Align-GVGD: "Class C0"). Algorithms developed to predict the effect of sequence changes on RNA splicing suggest that this variant may disrupt the consensus splice site. In summary, the available evidence is currently insufficient to determine the role of this variant in disease. Therefore, it has been classified as a Variant of Uncertain Significance.